The following is an entry in ClinVar:

NM_013336.4(SEC61A1):c.75+2T>C

Gene: SEC61A1 (SEC61 translocon subunit alpha 1; plus strand). Cytogenetic location: 3q21.3.
Variant type: single nucleotide variant.
Coding change: c.75+2T>C on transcript NM_013336.4 (MANE Select); the canonical splice donor site of the intron after coding-DNA position 75, T replaced by C.
Molecular consequence: splice donor variant. On other transcripts: intron variant (1).
Genome position (GRCh38, 1-based): chr3:128,052,904, T>C. VCF-style: chr3-128052904-T-C. GRCh37 (hg19) VCF-style: chr3-127771747-T-C.
Other names: c.93+2T>C (NM_001400328.1); c.-85+345T>C (NM_001400329.1).
Identifiers: ClinVar variation 4769699 (VCV004769699.1).

ClinVar aggregate classification (germline): Uncertain significance (1 of 4 stars; one submission).

gnomAD v4.1: 3 of 1,610,196 alleles (0.00019%); highest among the groups gnomAD compares: Admixed American, 0.0051%; no homozygotes.

Submission:

Labcorp Genetics (formerly Invitae), Labcorp
Classification: Uncertain significance. Last evaluated: 2025-06-04. Review status: criteria provided, single submitter. Criteria: Invitae Variant Classification Sherloc (09022015). Collection method: clinical testing. Allele origin: germline.
Comment: This sequence change affects a donor splice site in intron 2 of the SEC61A1 gene. It is expected to disrupt RNA splicing. Variants that disrupt the donor or acceptor splice site typically lead to a loss of protein function (PMID: 16199547), however the current clinical and genetic evidence is not sufficient to establish whether loss-of-function variants in SEC61A1 cause disease. This variant is present in population databases (rs748002306, gnomAD 0.009%). This variant has not been reported in the literature in individuals affected with SEC61A1-related conditions. Algorithms developed to predict the effect of sequence changes on RNA splicing suggest that this variant may disrupt the consensus splice site. In summary, the available evidence is currently insufficient to determine the role of this variant in disease. Therefore, it has been classified as a Variant of Uncertain Significance.

Literature cited by the submitters: PubMed 16199547.